The following is an entry in ClinVar:

NM_006087.4(TUBB4A):c.422G>A (p.Gly141Asp)

Gene: TUBB4A (tubulin beta 4A class IVa; minus strand). Cytogenetic location: 19p13.3.
Variant type: single nucleotide variant.
Coding change: c.422G>A on transcript NM_006087.4 (MANE Select); coding-DNA position 422, G replaced by A.
Protein change: p.Gly141Asp; replaces glycine 141 with aspartic acid.
Molecular consequence: missense variant.
Genome position (GRCh38, 1-based): chr19:6,496,077, C>T on the plus strand (G>A on the coding strand, the complement: TUBB4A is on the minus strand). VCF-style: chr19-6496077-C-T. GRCh37 (hg19) VCF-style: chr19-6496088-C-T.
Other names: c.575G>A, p.Gly192Asp (NM_001289123.2); c.557G>A, p.Gly186Asp (NM_001289127.2); c.422G>A, p.Gly141Asp (NM_001289129.2); c.206G>A, p.Gly69Asp (NM_001289130.2, NM_001289131.2); short protein forms G141D, G186D, G192D, G69D.
Identifiers: ClinVar variation 1303581 (VCV001303581.2), dbSNP rs2145246040, ClinGen allele CA403592394.

ClinVar aggregate classification (germline): Uncertain significance (1 of 4 stars; one submission).

Allele frequency attached by ClinVar (database versions not stated): gnomAD exomes below 0.00001.

Submission:

GeneDx
Classification: Uncertain significance. Last evaluated: 2018-09-05. Review status: criteria provided, single submitter. Criteria: GeneDx Variant Classification Process June 2021. Collection method: clinical testing. Allele origin: germline. Affected: yes.
Comment: Not observed in large population cohorts (Lek et al., 2016); The majority of missense variants in this gene are considered pathogenic (Stenson et al., 2014); In silico analysis, which includes protein predictors and evolutionary conservation, supports a deleterious effect